The following is an entry in ClinVar:

ClinVar aggregate classification (germline): Uncertain significance (1 of 4 stars; one submission).

Conditions:
Familial acute necrotizing encephalopathy (IIAE3). Also called: ENCEPHALOPATHY, ACUTE, INFECTION-INDUCED, SUSCEPTIBILITY TO, 3; Susceptibility to Acute Necrotizing Encephalopathy 1. Identifiers: Orphanet 88619, MedGen C2675556, MONDO:0011953, OMIM 608033.

gnomAD v4.1: 6 of 1,609,662 alleles (0.00037%); highest among the groups gnomAD compares: African/African-American, 0.0027%; no homozygotes.

Submission:

Labcorp Genetics (formerly Invitae), Labcorp
Classification: Uncertain significance for Familial acute necrotizing encephalopathy. Last evaluated: 2024-06-21. Review status: criteria provided, single submitter. Criteria: Invitae Variant Classification Sherloc (09022015). Collection method: clinical testing. Allele origin: germline.
Comment: This sequence change replaces lysine, which is basic and polar, with arginine, which is basic and polar, at codon 608 of the RANBP2 protein (p.Lys608Arg). This variant is present in population databases (no rsID available, gnomAD 0.01%). This variant has not been reported in the literature in individuals affected with RANBP2-related conditions. An algorithm developed to predict the effect of missense changes on protein structure and function (PolyPhen-2) suggests that this variant is likely to be tolerated. In summary, the available evidence is currently insufficient to determine the role of this variant in disease. Therefore, it has been classified as a Variant of Uncertain Significance.

NM_006267.5(RANBP2):c.1823A>G (p.Lys608Arg)

Gene: RANBP2 (RAN binding protein 2; plus strand). Cytogenetic location: 2q13.
Variant type: single nucleotide variant.
Coding change: c.1823A>G on transcript NM_006267.5 (MANE Select); coding-DNA position 1823, A replaced by G.
Protein change: p.Lys608Arg; replaces lysine 608 with arginine.
Molecular consequence: missense variant.
Genome position (GRCh38, 1-based): chr2:108,753,065, A>G. VCF-style: chr2-108753065-A-G. GRCh37 (hg19) VCF-style: chr2-109369521-A-G.
Other names: c.1823A>G, p.Lys608Arg (NM_001415871.1, NM_001415873.1); c.1820A>G, p.Lys607Arg (NM_001415872.1); short protein forms K607R, K608R.
Identifiers: ClinVar variation 3674141 (VCV003674141.2).